The following is an entry in ClinVar:

NM_015215.4(CAMTA1):c.100G>C (p.Val34Leu)

Gene: CAMTA1 (calmodulin binding transcription activator 1; plus strand). Cytogenetic location: 1p36.31.
Variant type: single nucleotide variant.
Coding change: c.100G>C on transcript NM_015215.4 (MANE Select); coding-DNA position 100, G replaced by C.
Protein change: p.Val34Leu; replaces valine 34 with leucine.
Molecular consequence: missense variant. On other transcripts: intron variant (3).
Genome position (GRCh38, 1-based): chr1:6,820,235, G>C. VCF-style: chr1-6820235-G-C. GRCh37 (hg19) VCF-style: chr1-6880295-G-C.
Other names: c.100G>C, p.Val34Leu (NM_001195563.2, NM_001242701.2, NM_001349609.2 and 3 more transcripts); c.26-4857G>C (NM_001349608.2, NM_001349612.2); c.152-4857G>C (NM_001349627.2); short protein forms V34L.
Identifiers: ClinVar variation 3686689 (VCV003686689.2).

ClinVar aggregate classification (germline): Uncertain significance (1 of 4 stars; one submission).

gnomAD v4.1: 5 of 1,613,940 alleles (0.00031%); highest among the groups gnomAD compares: South Asian, 0.0033%; no homozygotes.

Submission:

Labcorp Genetics (formerly Invitae), Labcorp
Classification: Uncertain significance. Last evaluated: 2024-07-30. Review status: criteria provided, single submitter. Criteria: Invitae Variant Classification Sherloc (09022015). Collection method: clinical testing. Allele origin: germline.
Comment: This sequence change replaces valine, which is neutral and non-polar, with leucine, which is neutral and non-polar, at codon 34 of the CAMTA1 protein (p.Val34Leu). This variant is present in population databases (rs765158318, gnomAD 0.003%). This variant has not been reported in the literature in individuals affected with CAMTA1-related conditions. An algorithm developed to predict the effect of missense changes on protein structure and function (PolyPhen-2) suggests that this variant is likely to be tolerated. In summary, the available evidence is currently insufficient to determine the role of this variant in disease. Therefore, it has been classified as a Variant of Uncertain Significance.